The following is an entry in ClinVar:

NM_000518.5(HBB):c.316-7C>G

Genes: HBB (hemoglobin subunit beta; minus strand), LOC107133510 (origin of replication at HBB; plus strand), LOC110006319 (beta-globin gene 3' regulatory region; plus strand). Cytogenetic location: 11p15.4.
Variant type: single nucleotide variant.
Coding change: c.316-7C>G on transcript NM_000518.5 (MANE Select); 7 bases into the intron before coding-DNA position 316, C replaced by G.
Molecular consequence: intron variant.
Genome position (GRCh38, 1-based): chr11:5,225,733, G>C on the plus strand (C>G on the coding strand, the complement: HBB is on the minus strand). VCF-style: chr11-5225733-G-C. GRCh37 (hg19) VCF-style: chr11-5246963-G-C.
Other names: IVS2-844C>G.
Identifiers: ClinVar variation 393706 (VCV000393706.11), dbSNP rs34483965, ClinGen allele CA16609383.

ClinVar aggregate classification (germline): Conflicting classifications of pathogenicity. Review status: criteria provided, conflicting classifications (1 of 4 stars). 5 submissions from 5 submitters: Uncertain significance (2); Likely benign (1). 2 of the submissions do not count toward it. Last evaluated 2022-03-08.

Conditions:
Beta-thalassemia HBB/LCRB. Identifiers: MedGen CN322236, MONDO:0013517, OMIM 613985.
beta Thalassemia (BTHAL). Also called: Cooley's anemia; Erythroblastic anemia; Mediterranean anemia. Identifiers: Orphanet 848, MedGen C0005283, MONDO:0019402. Disease mechanism: loss of function.

Submissions (5):

Labcorp Genetics (formerly Invitae), Labcorp
Classification: Likely benign. Last evaluated: 2022-03-08. Review status: criteria provided, single submitter. Criteria: Invitae Variant Classification Sherloc (09022015). Collection method: clinical testing. Allele origin: germline.

Quest Diagnostics Nichols Institute San Juan Capistrano
Classification: Uncertain significance. Last evaluated: 2019-11-12. Review status: criteria provided, single submitter. Criteria: Quest Diagnostics criteria. Collection method: clinical testing. Allele origin: unknown.

Women's Health and Genetics/Laboratory Corporation of America, LabCorp
Classification: Uncertain significance. Last evaluated: 2018-05-30. Review status: criteria provided, single submitter. Criteria: LabCorp Variant Classification Summary - May 2015. Collection method: clinical testing. Allele origin: germline.
Comment: Variant summary: HBB c.316-7C>G alters a non-conserved nucleotide located close to a canonical splice site and therefore could affect mRNA splicing, leading to a significantly altered protein sequence. 3/5 computational tools predict no significant impact on normal splicing. However, these predictions have yet to be confirmed by functional studies. The variant allele was found at a frequency of 4.1e-06 in 246028 control chromosomes. The available data on variant occurrences in the general population are insufficient to allow any conclusion about variant significance. c.316-7C>G has been reported in the literature in unaffected heterozygous carriers and an individual affected with mild Beta Thalassemia intermedia. These data do not allow any conclusion about variant significance. One publication tested the effect of mutation in the pyrimidine tract of intron 2 of HBB and showed that changes in this region affected 3' end processing; however, the variant was tested in conjunction with other variants, so the specific effect of the variant is unknown (Millevoi_2002). Both ithanet and GeneReviews classified the variant as pathogenic/causal while multiple papers noted variant as a silent BTHAL mtuation. HbVar noted variant with various phenotypes (silent or mild thalasemia) when associated with different alleles. Based on the evidence outlined above, the variant was classified as uncertain significance until additional clinical data is reported.

Counsyl
Classification: Likely pathogenic for Beta-thalassemia HBB/LCRB. Last evaluated: 2017-04-25. Review status: no assertion criteria provided. Collection method: clinical testing. Allele origin: unknown. Not counted in ClinVar's aggregate classification.

GeneReviews
No classification provided. Condition: beta Thalassemia. Review status: no classification provided. Collection method: literature only. Allele origin: germline. Not counted in ClinVar's aggregate classification.

Literature cited by the submitters: PubMed 11943067 (cited by Quest Diagnostics Nichols Institute San Juan Capistrano); PubMed 9234571 (cited by Quest Diagnostics Nichols Institute San Juan Capistrano); PubMed 7819068 (cited by Quest Diagnostics Nichols Institute San Juan Capistrano and Counsyl); PubMed 12189174 (cited by Quest Diagnostics Nichols Institute San Juan Capistrano and Women's Health and Genetics/Laboratory Corporation of America, LabCorp); PubMed 22975760 (cited by Quest Diagnostics Nichols Institute San Juan Capistrano and Women's Health and Genetics/Laboratory Corporation of America, LabCorp); PubMed 21892914 (cited by Quest Diagnostics Nichols Institute San Juan Capistrano and Women's Health and Genetics/Laboratory Corporation of America, LabCorp); PubMed 20704537 (cited by Quest Diagnostics Nichols Institute San Juan Capistrano and Women's Health and Genetics/Laboratory Corporation of America, LabCorp); PubMed 11857746 (cited by Quest Diagnostics Nichols Institute San Juan Capistrano and Women's Health and Genetics/Laboratory Corporation of America, LabCorp); PubMed 10606872 (cited by Quest Diagnostics Nichols Institute San Juan Capistrano and Women's Health and Genetics/Laboratory Corporation of America, LabCorp); PubMed 8952150 (cited by Quest Diagnostics Nichols Institute San Juan Capistrano and Women's Health and Genetics/Laboratory Corporation of America, LabCorp); PubMed 8562944 (cited by Quest Diagnostics Nichols Institute San Juan Capistrano and Women's Health and Genetics/Laboratory Corporation of America, LabCorp); PubMed 7558879 (cited by Quest Diagnostics Nichols Institute San Juan Capistrano and Women's Health and Genetics/Laboratory Corporation of America, LabCorp); PubMed 2001456 (cited by 3 submitters); PubMed 7794779 (cited by Women's Health and Genetics/Laboratory Corporation of America, LabCorp); PubMed 23651435 (cited by Women's Health and Genetics/Laboratory Corporation of America, LabCorp); PubMed 25762031 (cited by Women's Health and Genetics/Laboratory Corporation of America, LabCorp); NCBI Bookshelf NBK1426 (cited by GeneReviews).